The following is an entry in ClinVar:

NM_018122.5(DARS2):c.1762C>G (p.Leu588Val)

Gene: DARS2 (aspartyl-tRNA synthetase 2, mitochondrial; plus strand). Cytogenetic location: 1q25.1.
Variant type: single nucleotide variant.
Coding change: c.1762C>G on transcript NM_018122.5 (MANE Select); coding-DNA position 1762, C replaced by G.
Protein change: p.Leu588Val; replaces leucine 588 with valine.
Molecular consequence: missense variant.
Genome position (GRCh38, 1-based): chr1:173,857,529, C>G. VCF-style: chr1-173857529-C-G. GRCh37 (hg19) VCF-style: chr1-173826667-C-G.
Other names: p.Leu588Val; NM_018122.5(DARS2):c.1762C>G; c.1609C>G, p.Leu537Val (NM_001365212.1); short protein forms L588V, L537V.
Identifiers: ClinVar variation 427120 (VCV000427120.44), dbSNP rs972404343, ClinGen allele CA32784502.

ClinVar aggregate classification (germline): Pathogenic/Likely pathogenic. Review status: criteria provided, multiple submitters, no conflicts (2 of 4 stars). 7 submissions from 7 submitters: Pathogenic (1); Likely pathogenic (6). Last evaluated 2026-01-09.

Conditions:
Leukoencephalopathy with brain stem and spinal cord involvement-high lactate syndrome (LBSL). Also called: Leukoencephalopathy with Brainstem and Spinal Cord Involvement and Lactate Elevation; LEUKOENCEPHALOPATHY WITH BRAINSTEM AND SPINAL CORD INVOLVEMENT AND LACTATE ELEVATION, MILD; MITOCHONDRIAL ASPARTYL-tRNA SYNTHETASE DEFICIENCY. Identifiers: Orphanet 137898, MedGen C1970180, MONDO:0012622, OMIM 611105.

Allele frequency attached by ClinVar (database versions not stated): TOPMed below 0.00001.

Submissions (7):

GeneDx
Classification: Likely pathogenic. Last evaluated: 2026-01-09. Review status: criteria provided, single submitter. Criteria: GeneDx Variant Classification Process June 2021. Collection method: clinical testing. Allele origin: germline. Affected: yes.
Comment: Published functional studies suggest a damaging effect on protein function in a yeast model (PMID: 33977142); Not observed at significant frequency in large population cohorts (gnomAD); In silico analysis suggests that this missense variant does not alter protein structure/function; This variant is associated with the following publications: (PMID: 30352563, 37012327, 34055681, 33977142, 35803560)

Genomic Medicine Center of Excellence, King Faisal Specialist Hospital and Research Centre
Classification: Likely pathogenic for Leukoencephalopathy with brain stem and spinal cord involvement-high lactate syndrome. Last evaluated: 2025-09-10. Review status: criteria provided, single submitter. Criteria: ACMG Guidelines, 2015. Collection method: clinical testing. Allele origin: germline.

Revvity Omics, Revvity
Classification: Likely pathogenic for Leukoencephalopathy with brain stem and spinal cord involvement-high lactate syndrome. Last evaluated: 2025-08-08. Review status: criteria provided, single submitter. Criteria: ACMG Guidelines, 2015. Collection method: clinical testing. Allele origin: germline.

Broad Center for Mendelian Genomics, Broad Institute of MIT and Harvard
Classification: Likely pathogenic for Leukoencephalopathy with brain stem and spinal cord involvement-high lactate syndrome. Last evaluated: 2025-01-21. Review status: criteria provided, single submitter. Criteria: ACMG Guidelines, 2015. Collection method: curation. Allele origin: germline. Inheritance: Autosomal recessive inheritance.
Comment: The p.Leu588Val variant in DARS2 has been reported in 3 individuals with leukoencephalopathy with brain stem and spinal cord involvement-high lactate syndrome (PMID: 30352563, 33977142), segregated with disease in three affected relatives from 2 families (PMID: 30352563, 33977142), and has been identified in 0.009% (7/75050) of African/African American chromosomes by the Genome Aggregation Database (gnomAD; dbSNP rs972404343). Although this variant has been seen in the general population in a heterozygous state, its frequency is low enough to be consistent with a recessive carrier frequency. This variant has also been reported in ClinVar (Variation ID: 427120) and has been interpreted as likely pathogenic by CeGaT Center for Human Genetics Tuebingen, GeneDx, and Bruce Lefroy Centre (Murdoch Childrens Research Institute) and as a variant of uncertain significance by Revvity Omics (Revvity Omics). In vitro functional studies provide some evidence that the p.Leu588Val variant may impact protein function (PMID: 33977142). However, these types of assays may not accurately represent biological function. Computational prediction tools and conservation analyses suggest that this variant may impact the protein, though this information is not predictive enough to determine pathogenicity. In summary, although additional studies are required to fully establish its clinical significance, this variant is likely pathogenic for autosomal recessive leukoencephalopathy with brain stem and spinal cord involvement-high lactate syndrome. ACMG/AMP Criteria applied: PP1_strong, PS3_supporting, PP3, PM2_supporting (Richards 2015).

Mayo Clinic Laboratories, Mayo Clinic
Classification: Pathogenic. Last evaluated: 2024-07-23. Review status: criteria provided, single submitter. Criteria: ACMG Guidelines, 2015. Collection method: clinical testing. Allele origin: germline. Observed: 1 variant allele.
Comment: PP1_strong, PP3, PM2, PM3_strong, PS3_supporting

CeGaT Center for Human Genetics Tuebingen
Classification: Likely pathogenic. Last evaluated: 2022-02-01. Review status: criteria provided, single submitter. Criteria: CeGaT Center For Human Genetics Tuebingen Variant Classification Criteria Version 2. Collection method: clinical testing. Allele origin: germline. Affected: yes. Observed: 1 variant allele.

Bruce Lefroy Centre, Murdoch Childrens Research Institute
Classification: Likely pathogenic for Leukoencephalopathy with brain stem and spinal cord involvement-high lactate syndrome. Review status: criteria provided, single submitter. Criteria: ACMG Guidelines, 2015. Collection method: research. Allele origin: paternal. Inheritance: Autosomal recessive inheritance. Affected: yes. Observed: 1 variant allele.

Literature cited by the submitters: PubMed 30352563 (cited by Mayo Clinic Laboratories, Mayo Clinic); PubMed 33574740 (cited by Mayo Clinic Laboratories, Mayo Clinic); PubMed 33977142 (cited by Mayo Clinic Laboratories, Mayo Clinic); PubMed 34055681 (cited by Mayo Clinic Laboratories, Mayo Clinic); PubMed 34631948 (cited by Mayo Clinic Laboratories, Mayo Clinic); PubMed 35803560 (cited by Mayo Clinic Laboratories, Mayo Clinic).